The following is an entry in ClinVar:

NM_014159.7(SETD2):c.676C>G (p.Pro226Ala)

Gene: SETD2 (SET domain containing 2, histone lysine methyltransferase; minus strand). Cytogenetic location: 3p21.31.
Variant type: single nucleotide variant.
Coding change: c.676C>G on transcript NM_014159.7 (MANE Select); coding-DNA position 676, C replaced by G.
Protein change: p.Pro226Ala; replaces proline 226 with alanine.
Molecular consequence: missense variant. On other transcripts: non-coding transcript variant (1).
Genome position (GRCh38, 1-based): chr3:47,123,960, G>C on the plus strand (C>G on the coding strand, the complement: SETD2 is on the minus strand). VCF-style: chr3-47123960-G-C. GRCh37 (hg19) VCF-style: chr3-47165450-G-C.
Other names: c.544C>G, p.Pro182Ala (NM_001349370.3); short protein forms P226A, P182A.
Identifiers: ClinVar variation 542220 (VCV000542220.9), dbSNP rs780963440, ClinGen allele CA73812141.

ClinVar aggregate classification (germline): Likely benign (1 of 4 stars; one submission).

Conditions:
Luscan-Lumish syndrome. Identifiers: Orphanet 597738, MedGen C4085873, MONDO:0014791, OMIM 616831.

Allele frequency attached by ClinVar (database versions not stated): TOPMed 0.00002.
gnomAD v4.1: 44 of 1,550,622 alleles (0.0028%); highest among the groups gnomAD compares: Non-Finnish European, 0.0037%; no homozygotes.

Submission:

Labcorp Genetics (formerly Invitae), Labcorp
Classification: Likely benign for Luscan-Lumish syndrome. Last evaluated: 2022-02-03. Review status: criteria provided, single submitter. Criteria: Invitae Variant Classification Sherloc (09022015). Collection method: clinical testing. Allele origin: germline.